The following is an entry in ClinVar:

ClinVar aggregate classification (germline): Uncertain significance (1 of 4 stars; one submission).

Allele frequency attached by ClinVar (database versions not stated): gnomAD exomes below 0.00001.
gnomAD v4.1: 2 of 1,613,646 alleles (0.00012%); highest among the groups gnomAD compares: Non-Finnish European, 0.00017%; no homozygotes.

Submission:

Labcorp Genetics (formerly Invitae), Labcorp
Classification: Uncertain significance. Last evaluated: 2019-08-29. Review status: criteria provided, single submitter. Criteria: Invitae Variant Classification Sherloc (09022015). Collection method: clinical testing. Allele origin: germline.
Comment: In summary, the available evidence is currently insufficient to determine the role of this variant in disease. Therefore, it has been classified as a Variant of Uncertain Significance. Algorithms developed to predict the effect of missense changes on protein structure and function are either unavailable or do not agree on the potential impact of this missense change (SIFT: "Deleterious"; PolyPhen-2: "Benign"; Align-GVGD: "Class C0"). This sequence change replaces glutamic acid with glycine at codon 1773 of the SZT2 protein (p.Glu1773Gly). The glutamic acid residue is highly conserved and there is a moderate physicochemical difference between glutamic acid and glycine. This variant is not present in population databases (ExAC no frequency). This variant has not been reported in the literature in individuals with SZT2-related conditions.

NM_001365999.1(SZT2):c.5489A>G (p.Glu1830Gly)

Gene: SZT2 (SZT2 subunit of KICSTOR complex; plus strand). Cytogenetic location: 1p34.2.
Variant type: single nucleotide variant.
Coding change: c.5489A>G on transcript NM_001365999.1 (MANE Select); coding-DNA position 5489, A replaced by G.
Protein change: p.Glu1830Gly; replaces glutamic acid 1830 with glycine.
Molecular consequence: missense variant.
Genome position (GRCh38, 1-based): chr1:43,432,563, A>G. VCF-style: chr1-43432563-A-G. GRCh37 (hg19) VCF-style: chr1-43898234-A-G.
Other names: c.5318A>G, p.Glu1773Gly (NM_015284.4); short protein forms E1773G, E1830G.
Identifiers: ClinVar variation 955185 (VCV000955185.9), dbSNP rs1173103700, ClinGen allele CA340025435.